The following is an entry in ClinVar:

ClinVar aggregate classification (germline): Likely benign (1 of 4 stars; one submission).

gnomAD v4.1: 6,022 of 1,614,152 alleles (0.37%); highest among the groups gnomAD compares: Non-Finnish European, 0.48%; 15 homozygotes.

Submission:

CeGaT Center for Human Genetics Tuebingen
Classification: Likely benign. Last evaluated: 2025-04-01. Review status: criteria provided, single submitter. Criteria: CeGaT Center For Human Genetics Tuebingen Variant Classification Criteria Version 2. Collection method: clinical testing. Allele origin: germline. Affected: yes. Observed: 1 variant allele.
Comment: LDHAL6B: BP4, BP7, BS2

NM_033195.3(LDHAL6B):c.807T>G (p.Thr269=)

Genes: LDHAL6B (lactate dehydrogenase A like 6B; plus strand), MYO1E (myosin IE; minus strand). Cytogenetic location: 15q22.2.
Variant type: single nucleotide variant.
Coding change: c.807T>G on transcript NM_033195.3 (MANE Select); coding-DNA position 807, T replaced by G.
Protein change: p.Thr269=; no amino-acid change (threonine 269 retained).
Molecular consequence: synonymous variant. On other transcripts: intron variant (1).
Genome position (GRCh38, 1-based): chr15:59,207,747, T>G. VCF-style: chr15-59207747-T-G. GRCh37 (hg19) VCF-style: chr15-59499946-T-G.
Other names: c.1530+934A>C (NM_004998.4).
Identifiers: ClinVar variation 3898152 (VCV003898152.7).
Genomic context (GRCh38, chr15:59,207,747, plus strand): 5'-GTGGAGTGGAGTGAACATAGCTGGTGTCCCTTTGAAGGATCTGAACTCTGATATAGGAAC[T>G]GATAAAGATCCTGAGCAATGGAAAAATGTCCACAAAGAAGTGACTGCAACTGCCTATGAG-3'
Protein context (NP_149972.1, residues 259-279): PLKDLNSDIG[Thr269=]DKDPEQWKNV